The following is an entry in ClinVar:

NM_003055.3(SLC18A3):c.781G>C (p.Ala261Pro)

Genes: CHAT (choline O-acetyltransferase; plus strand), SLC18A3 (solute carrier family 18 member A3; plus strand). Cytogenetic location: 10q11.23.
Variant type: single nucleotide variant.
Coding change: c.781G>C on transcript NM_003055.3 (MANE Select); coding-DNA position 781, G replaced by C.
Protein change: p.Ala261Pro; replaces alanine 261 with proline.
Molecular consequence: missense variant. On other transcripts: intron variant (1).
Genome position (GRCh38, 1-based): chr10:49,611,521, G>C. VCF-style: chr10-49611521-G-C. GRCh37 (hg19) VCF-style: chr10-50819567-G-C.
Other names: c.-69+2322G>C (NM_020984.4); short protein forms A261P.
Identifiers: ClinVar variation 1382334 (VCV001382334.6), dbSNP rs139732053, ClinGen allele CA5496839.

ClinVar aggregate classification (germline): Uncertain significance. Review status: criteria provided, multiple submitters, no conflicts (2 of 4 stars). 2 submissions from 2 submitters: Uncertain significance (2). Last evaluated 2024-04-01.

Conditions:
Congenital myasthenic syndrome 21. Also called: Myasthenic syndrome, congenital, 21, presynaptic. Identifiers: MedGen C4310654, MONDO:0014983, OMIM 617239.

Allele frequency attached by ClinVar (database versions not stated): ESP Exome Variant Server 0.00023; gnomAD 0.00020 and 0.00019; gnomAD exomes 0.00030; ExAC 0.00033; TOPMed 0.00019.
gnomAD v4.1: 412 of 1,601,946 alleles (0.026%); highest among the groups gnomAD compares: Middle Eastern, 0.2%; no homozygotes.

Submissions (2):

Revvity Omics, Revvity
Classification: Uncertain significance for Congenital myasthenic syndrome 21. Last evaluated: 2024-04-01. Review status: criteria provided, single submitter. Criteria: ACMG Guidelines, 2015. Collection method: clinical testing. Allele origin: germline.

Labcorp Genetics (formerly Invitae), Labcorp
Classification: Uncertain significance. Last evaluated: 2022-08-23. Review status: criteria provided, single submitter. Criteria: Invitae Variant Classification Sherloc (09022015). Collection method: clinical testing. Allele origin: germline.
Comment: This sequence change replaces alanine, which is neutral and non-polar, with proline, which is neutral and non-polar, at codon 261 of the SLC18A3 protein (p.Ala261Pro). This variant is present in population databases (rs139732053, gnomAD 0.1%). This variant has not been reported in the literature in individuals affected with SLC18A3-related conditions. ClinVar contains an entry for this variant (Variation ID: 1382334). Algorithms developed to predict the effect of missense changes on protein structure and function (SIFT, PolyPhen-2, Align-GVGD) all suggest that this variant is likely to be tolerated. In summary, the available evidence is currently insufficient to determine the role of this variant in disease. Therefore, it has been classified as a Variant of Uncertain Significance.